The following is an entry in ClinVar:

NM_003803.4(MYOM1):c.2363A>G (p.Asn788Ser)

Gene: MYOM1 (myomesin 1; minus strand). Cytogenetic location: 18p11.31.
Variant type: single nucleotide variant.
Coding change: c.2363A>G on transcript NM_003803.4 (MANE Select); coding-DNA position 2363, A replaced by G.
Protein change: p.Asn788Ser; replaces asparagine 788 with serine.
Molecular consequence: missense variant.
Genome position (GRCh38, 1-based): chr18:3,134,671, T>C on the plus strand (A>G on the coding strand, the complement: MYOM1 is on the minus strand). VCF-style: chr18-3134671-T-C. GRCh37 (hg19) VCF-style: chr18-3134669-T-C.
Other names: c.2363A>G, p.Asn788Ser (NM_019856.2); short protein forms N788S.
Identifiers: ClinVar variation 3223553 (VCV003223553.1), dbSNP rs2510634064, ClinGen allele CA401712433.

ClinVar aggregate classification (germline): Uncertain significance (1 of 4 stars; one submission).

Submission:

Ambry Genetics
Classification: Uncertain significance. Last evaluated: 2024-01-16. Review status: criteria provided, single submitter. Criteria: Ambry Variant Classification Scheme 2023. Collection method: clinical testing. Allele origin: germline.
Comment: The p.N788S variant (also known as c.2363A>G), located in coding exon 15 of the MYOM1 gene, results from an A to G substitution at nucleotide position 2363. The asparagine at codon 788 is replaced by serine, an amino acid with highly similar properties. This amino acid position is conserved. In addition, this alteration is predicted to be tolerated by in silico analysis. Since supporting evidence is limited at this time, the clinical significance of this alteration remains unclear.